The following is an entry in ClinVar:

NM_001267550.2(TTN):c.63942G>A (p.Ser21314=)

Genes: TTN (titin; minus strand), TTN-AS1 (TTN antisense RNA 1; plus strand). Cytogenetic location: 2q31.2.
Variant type: single nucleotide variant.
Coding change: c.63942G>A on transcript NM_001267550.2 (MANE Select); coding-DNA position 63942, G replaced by A.
Protein change: p.Ser21314=; no amino-acid change (serine 21314 retained).
Molecular consequence: synonymous variant.
Genome position (GRCh38, 1-based): chr2:178,587,269, C>T on the plus strand (G>A on the coding strand, the complement: TTN is on the minus strand). VCF-style: chr2-178587269-C-T. GRCh37 (hg19) VCF-style: chr2-179451996-C-T.
Other names: c.56238G>A, p.Ser18746= (NM_133378.4); c.59019G>A, p.Ser19673= (NM_001256850.1); c.36747G>A, p.Ser12249= (NM_003319.4); c.37122G>A, p.Ser12374= (NM_133432.3); c.37323G>A, p.Ser12441= (NM_133437.4).
Identifiers: ClinVar variation 47202 (VCV000047202.86), dbSNP rs201285872, ClinGen allele CA140314.

ClinVar aggregate classification (germline): Conflicting classifications of pathogenicity. Review status: criteria provided, conflicting classifications (1 of 4 stars). 21 submissions from 17 submitters: Uncertain significance (3); Benign (7); Likely benign (7). 4 of the submissions do not count toward it. Last evaluated 2026-08-01.

Conditions:
Cardiovascular phenotype. Identifiers: MedGen CN230736.
Autosomal recessive limb-girdle muscular dystrophy type 2J (LGMDR10). Also called: MUSCULAR DYSTROPHY, LIMB-GIRDLE, AUTOSOMAL RECESSIVE 10; Limb-girdle muscular dystrophy, type 2J. Identifiers: Orphanet 140922, MedGen C1837342, MONDO:0012127, OMIM 608807.
Dilated cardiomyopathy 1G (CMD1G). Identifiers: Orphanet 154, MedGen C1858763, MONDO:0011400, OMIM 604145.
Cardiomyopathy (CMYO). Also called: Cardiomyopathies. Identifiers: Orphanet 167848, MedGen C0878544, MONDO:0004994, HP:0001638. Inheritance: Various modes of inheritance.
Early-onset myopathy with fatal cardiomyopathy (CMYO5). Also called: CONGENITAL MYOPATHY 5 WITH CARDIOMYOPATHY; Salih Myopathy. Identifiers: Orphanet 289377, MedGen C2673677, MONDO:0012714, OMIM 611705. Disease mechanism: loss of function.
Myopathy, myofibrillar, 9, with early respiratory failure (MFM9). Also called: Myopathy, distal, with early respiratory failure, autosomal dominant; Hereditary myopathy with early respiratory failure; EDSTROM MYOPATHY; MYOPATHY, PROXIMAL, WITH EARLY RESPIRATORY MUSCLE INVOLVEMENT. Identifiers: Orphanet 178464, Orphanet 34521, MedGen C1863599, MONDO:0011362, OMIM 603689.
Tibial muscular dystrophy (TMD). Also called: Tibial muscular dystrophy, tardive; Udd Distal Myopathy – Tibial Muscular Dystrophy; UDD MYOPATHY. Identifiers: Orphanet 609, MedGen C1838244, MONDO:0010870, OMIM 600334.

Allele frequency attached by ClinVar (database versions not stated): gnomAD 0.00076 and 0.00068; ExAC 0.00059; gnomAD exomes 0.00106 and 0.00070; ESP Exome Variant Server 0.00066; TOPMed 0.00080.
gnomAD v4.1: 1,643 of 1,613,040 alleles (0.1%); highest among the groups gnomAD compares: Non-Finnish European, 0.12%; 2 homozygotes.

Submissions (21):

CeGaT Center for Human Genetics Tuebingen
Classification: Likely benign. Last evaluated: 2026-08-01. Review status: criteria provided, single submitter. Criteria: CeGaT Center For Human Genetics Tuebingen Variant Classification Criteria Version 2. Collection method: clinical testing. Allele origin: germline. Affected: yes. Observed: 16 variant alleles.
Comment: TTN: BP4, BP7

Labcorp Genetics (formerly Invitae), Labcorp
Classification: Benign for Dilated cardiomyopathy 1G; Autosomal recessive limb-girdle muscular dystrophy type 2J. Last evaluated: 2026-02-03. Review status: criteria provided, single submitter. Criteria: Invitae Variant Classification Sherloc (09022015). Collection method: clinical testing. Allele origin: germline.

Women's Health and Genetics/Laboratory Corporation of America, LabCorp
Classification: Benign. Last evaluated: 2025-07-21. Review status: criteria provided, single submitter. Criteria: LabCorp Variant Classification Summary - May 2015. Collection method: clinical testing. Allele origin: germline.

Molecular Diagnostic Laboratory for Inherited Cardiovascular Disease, Montreal Heart Institute
Classification: Likely benign. Last evaluated: 2025-04-09. Review status: criteria provided, single submitter. Criteria: ACMG Guidelines, 2015. Collection method: clinical testing. Allele origin: germline. Affected: no.

Blueprint Genetics
Classification: Likely benign. Last evaluated: 2024-11-25. Review status: criteria provided, single submitter. Criteria: ACMG Guidelines, 2015. Collection method: clinical testing. Allele origin: germline.

ARUP Laboratories, Molecular Genetics and Genomics, ARUP Laboratories
Classification: Likely benign. Last evaluated: 2023-08-24. Review status: criteria provided, single submitter. Criteria: ARUP Molecular Germline Variant Investigation Process 2024. Collection method: clinical testing. Allele origin: germline.

Athena Diagnostics
Classification: Benign. Last evaluated: 2018-08-27. Review status: criteria provided, single submitter. Criteria: Athena Diagnostics Criteria. Collection method: clinical testing. Allele origin: germline.

CHEO Genetics Diagnostic Laboratory, Children's Hospital of Eastern Ontario
Classification: Benign for Cardiomyopathy. Last evaluated: 2018-04-30. Review status: criteria provided, single submitter. Criteria: ACMG Guidelines, 2015. Collection method: clinical testing. Allele origin: germline.

Illumina Laboratory Services, Illumina
Classification: Uncertain significance for Dilated cardiomyopathy 1G. Last evaluated: 2018-01-13. Review status: criteria provided, single submitter. Criteria: ICSL Variant Classification Criteria 13 December 2019. Collection method: clinical testing. Allele origin: germline.

Illumina Laboratory Services, Illumina
Classification: Uncertain significance for Autosomal recessive limb-girdle muscular dystrophy type 2J. Last evaluated: 2018-01-13. Review status: criteria provided, single submitter. Criteria: ICSL Variant Classification Criteria 13 December 2019. Collection method: clinical testing. Allele origin: germline.

Illumina Laboratory Services, Illumina
Classification: Uncertain significance for Early-onset myopathy with fatal cardiomyopathy. Last evaluated: 2018-01-13. Review status: criteria provided, single submitter. Criteria: ICSL Variant Classification Criteria 13 December 2019. Collection method: clinical testing. Allele origin: germline.

Illumina Laboratory Services, Illumina
Classification: Benign for Tibial muscular dystrophy. Last evaluated: 2018-01-13. Review status: criteria provided, single submitter. Criteria: ICSL Variant Classification Criteria 13 December 2019. Collection method: clinical testing. Allele origin: germline.
Comment: This variant was observed in the ICSL laboratory as part of a predisposition screen in an ostensibly healthy population. It had not been previously curated by ICSL or reported in the Human Gene Mutation Database (HGMD: prior to June 1st, 2018), and was therefore a candidate for classification through an automated scoring system. Utilizing variant allele frequency, disease prevalence and penetrance estimates, and inheritance mode, an automated score was calculated to assess if this variant is too frequent to cause the disease. Based on the score and internal cut-off values, a variant classified as benign is not then subjected to further curation. The score for this variant resulted in a classification of benign for this disease.

Illumina Laboratory Services, Illumina
Classification: Benign for Myopathy, myofibrillar, 9, with early respiratory failure. Last evaluated: 2018-01-13. Review status: criteria provided, single submitter. Criteria: ICSL Variant Classification Criteria 13 December 2019. Collection method: clinical testing. Allele origin: germline.
Comment: the same text as in the submission from Illumina Laboratory Services, Illumina above.

Laboratory for Molecular Medicine, Mass General Brigham Personalized Medicine
Classification: Likely benign. Last evaluated: 2015-10-14. Review status: criteria provided, single submitter. Criteria: LMM Criteria. Collection method: clinical testing. Allele origin: germline. Observed: 6 variant alleles.
Comment: p.Ser18746Ser in exon 256 of TTN: : This variant is not expected to have clinica l significance because it does not alter an amino acid residue and is not locate d within the splice consensus sequence. It has been identified in 62/66532 Europ ean chromosomes by the Exome Aggregation Consortium (ExAC; dbSNP rs201285872).

Eurofins Ntd Llc (ga)
Classification: Likely benign. Last evaluated: 2015-05-06. Review status: criteria provided, single submitter. Criteria: EGL Classification Definitions 2015. Collection method: clinical testing. Allele origin: germline. Observed: 1 variant allele, 1 heterozygote.

GeneDx
Classification: Benign. Last evaluated: 2015-03-03. Review status: criteria provided, single submitter. Criteria: GeneDx Variant Classification Process June 2021. Collection method: clinical testing. Allele origin: germline. Affected: yes.

Ambry Genetics
Classification: Likely benign for Cardiovascular phenotype. Last evaluated: 2012-09-19. Review status: criteria provided, single submitter. Criteria: Ambry Autosomal Dominant and X-Linked criteria (10/2015). Collection method: clinical testing. Allele origin: germline. Observed: 1 variant allele.

Clinical Genetics, Academic Medical Center
Classification: Benign. Review status: no assertion criteria provided. Collection method: clinical testing. Allele origin: germline. Affected: yes. Study: VKGL Data-share Consensus. Not counted in ClinVar's aggregate classification.

Diagnostic Laboratory, Department of Genetics, University Medical Center Groningen
Classification: Likely benign. Review status: no assertion criteria provided. Collection method: clinical testing. Allele origin: germline. Affected: yes. Study: VKGL Data-share Consensus. Not counted in ClinVar's aggregate classification.

Joint Genome Diagnostic Labs from Nijmegen and Maastricht, Radboudumc and MUMC+
Classification: Benign. Review status: no assertion criteria provided. Collection method: clinical testing. Allele origin: germline. Affected: yes. Study: VKGL Data-share Consensus. Not counted in ClinVar's aggregate classification.

Laboratory of Diagnostic Genome Analysis, Leiden University Medical Center (LUMC)
Classification: Likely benign. Review status: no assertion criteria provided. Collection method: clinical testing. Allele origin: germline. Affected: yes. Study: VKGL Data-share Consensus. Not counted in ClinVar's aggregate classification.